The following is an entry in ClinVar:

NM_020366.4(RPGRIP1):c.2965G>T (p.Gly989Trp)

Gene: RPGRIP1 (RPGR interacting protein 1; plus strand). Cytogenetic location: 14q11.2.
Variant type: single nucleotide variant.
Coding change: c.2965G>T on transcript NM_020366.4 (MANE Select); coding-DNA position 2965, G replaced by T.
Protein change: p.Gly989Trp; replaces glycine 989 with tryptophan.
Molecular consequence: missense variant.
Genome position (GRCh38, 1-based): chr14:21,328,493, G>T. VCF-style: chr14-21328493-G-T. GRCh37 (hg19) VCF-style: chr14-21796652-G-T.
Other names: c.1051G>T, p.Gly351Trp (NM_001377949.1); c.943G>T, p.Gly315Trp (NM_001377950.1, NM_001377523.1); c.445G>T, p.Gly149Trp (NM_001377951.1); c.1891G>T, p.Gly631Trp (NM_001377948.1); short protein forms G315W, G631W, G149W, G989W, G351W.
Identifiers: ClinVar variation 1422992 (VCV001422992.6), dbSNP rs774678526, ClinGen allele CA388871085.

ClinVar aggregate classification (germline): Uncertain significance (1 of 4 stars; one submission).

Conditions:
Cone-rod dystrophy 13 (CORD13). Identifiers: Orphanet 1872, MedGen C2750720, MONDO:0011987, OMIM 608194.
Leber congenital amaurosis 6 (LCA6). Identifiers: Orphanet 65, MedGen C1854260, MONDO:0013446, OMIM 613826.

Submission:

Labcorp Genetics (formerly Invitae), Labcorp
Classification: Uncertain significance for Leber congenital amaurosis 6; Cone-rod dystrophy 13. Last evaluated: 2023-06-30. Review status: criteria provided, single submitter. Criteria: Invitae Variant Classification Sherloc (09022015). Collection method: clinical testing. Allele origin: germline.
Comment: This sequence change replaces glycine, which is neutral and non-polar, with tryptophan, which is neutral and slightly polar, at codon 989 of the RPGRIP1 protein (p.Gly989Trp). This variant is not present in population databases (gnomAD no frequency). This variant has not been reported in the literature in individuals affected with RPGRIP1-related conditions. ClinVar contains an entry for this variant (Variation ID: 1422992). Advanced modeling of protein sequence and biophysical properties (such as structural, functional, and spatial information, amino acid conservation, physicochemical variation, residue mobility, and thermodynamic stability) performed at Invitae indicates that this missense variant is not expected to disrupt RPGRIP1 protein function. In summary, the available evidence is currently insufficient to determine the role of this variant in disease. Therefore, it has been classified as a Variant of Uncertain Significance.